The following is an entry in ClinVar:

NM_001035.3(RYR2):c.13234A>C (p.Met4412Leu)

Genes: RYR2 (ryanodine receptor 2; plus strand), LOC126806068 (BRD4-independent group 4 enhancer GRCh37_chr1:237947411-237948610; plus strand). Cytogenetic location: 1q43.
Variant type: single nucleotide variant.
Coding change: c.13234A>C on transcript NM_001035.3 (MANE Select); coding-DNA position 13234, A replaced by C.
Protein change: p.Met4412Leu; replaces methionine 4412 with leucine.
Molecular consequence: missense variant.
Genome position (GRCh38, 1-based): chr1:237,784,946, A>C. VCF-style: chr1-237784946-A-C. GRCh37 (hg19) VCF-style: chr1-237948246-A-C.
Other names: short protein forms M4412L.
Identifiers: ClinVar variation 1517160 (VCV001517160.7), dbSNP rs2149356919, ClinGen allele CA345415638.
Genomic context (GRCh38, chr1:237,784,946, plus strand): 5'-AAACTGATTCCTCATAATCCAAATGCTGGGCTCAGTGACCTCATGAGCAACCCAGTCCCC[A>C]TGCCTGAGGTGCAGGAAAAATTTCAGGTAATTTATCTCTAAGTCACAGCAGCATTCTCTC-3'
Protein context (NP_001026.2, residues 4402-4422): LSDLMSNPVP[Met4412Leu]PEVQEKFQEQ

ClinVar aggregate classification (germline): Uncertain significance (1 of 4 stars; one submission).

Conditions:
Catecholaminergic polymorphic ventricular tachycardia 1. Also called: RYR2-Related Catecholaminergic Polymorphic Ventricular Tachycardia; VENTRICULAR TACHYCARDIA, STRESS-INDUCED POLYMORPHIC 1; VENTRICULAR TACHYCARDIA, CATECHOLAMINERGIC POLYMORPHIC, 1, WITH OR WITHOUT ATRIAL DYSFUNCTION AND/OR DILATED CARDIOMYOPATHY. Identifiers: Orphanet 3286, MedGen C1631597, MONDO:0011484, OMIM 604772.

Submission:

Labcorp Genetics (formerly Invitae), Labcorp
Classification: Uncertain significance for Catecholaminergic polymorphic ventricular tachycardia 1. Last evaluated: 2021-09-03. Review status: criteria provided, single submitter. Criteria: Invitae Variant Classification Sherloc (09022015). Collection method: clinical testing. Allele origin: germline.
Comment: In summary, the available evidence is currently insufficient to determine the role of this variant in disease. Therefore, it has been classified as a Variant of Uncertain Significance. Advanced modeling of protein sequence and biophysical properties (such as structural, functional, and spatial information, amino acid conservation, physicochemical variation, residue mobility, and thermodynamic stability) performed at Invitae indicates that this missense variant is not expected to disrupt RYR2 protein function. This variant has not been reported in the literature in individuals affected with RYR2-related conditions. This variant is not present in population databases (ExAC no frequency). This sequence change replaces methionine with leucine at codon 4412 of the RYR2 protein (p.Met4412Leu). The methionine residue is weakly conserved and there is a small physicochemical difference between methionine and leucine.